The following is an entry in ClinVar:

NM_001297.5(CNGB1):c.2362G>A (p.Val788Met)

Gene: CNGB1 (cyclic nucleotide gated channel subunit beta 1; minus strand). Cytogenetic location: 16q21.
Variant type: single nucleotide variant.
Coding change: c.2362G>A on transcript NM_001297.5 (MANE Select); coding-DNA position 2362, G replaced by A.
Protein change: p.Val788Met; replaces valine 788 with methionine.
Molecular consequence: missense variant.
Genome position (GRCh38, 1-based): chr16:57,912,937, C>T on the plus strand (G>A on the coding strand, the complement: CNGB1 is on the minus strand). VCF-style: chr16-57912937-C-T. GRCh37 (hg19) VCF-style: chr16-57946841-C-T.
Other names: c.2344G>A, p.Val782Met (NM_001286130.2); short protein forms V788M, V782M.
Identifiers: ClinVar variation 960803 (VCV000960803.9), dbSNP rs780134614, ClinGen allele CA8083049.

ClinVar aggregate classification (germline): Uncertain significance. Review status: criteria provided, multiple submitters, no conflicts (2 of 4 stars). 2 submissions from 2 submitters: Uncertain significance (2). Last evaluated 2024-10-25.

Conditions:
Inborn genetic diseases. Identifiers: MedGen C0950123, MeSH D030342.

Allele frequency attached by ClinVar (database versions not stated): gnomAD exomes below 0.00001; gnomAD 0.00001.
gnomAD v4.1: 7 of 1,613,752 alleles (0.00043%); highest among the groups gnomAD compares: African/African-American, 0.004%; no homozygotes.

Submissions (2):

Ambry Genetics
Classification: Uncertain significance for Inborn genetic diseases. Last evaluated: 2024-10-25. Review status: criteria provided, single submitter. Criteria: Ambry Variant Classification Scheme 2023. Collection method: clinical testing. Allele origin: germline.

Labcorp Genetics (formerly Invitae), Labcorp
Classification: Uncertain significance. Last evaluated: 2024-02-23. Review status: criteria provided, single submitter. Criteria: Invitae Variant Classification Sherloc (09022015). Collection method: clinical testing. Allele origin: germline.
Comment: This sequence change replaces valine, which is neutral and non-polar, with methionine, which is neutral and non-polar, at codon 788 of the CNGB1 protein (p.Val788Met). This variant is present in population databases (rs780134614, gnomAD 0.004%). This variant has not been reported in the literature in individuals affected with CNGB1-related conditions. ClinVar contains an entry for this variant (Variation ID: 960803). Advanced modeling of protein sequence and biophysical properties (such as structural, functional, and spatial information, amino acid conservation, physicochemical variation, residue mobility, and thermodynamic stability) performed at Invitae indicates that this missense variant is not expected to disrupt CNGB1 protein function with a negative predictive value of 80%. In summary, the available evidence is currently insufficient to determine the role of this variant in disease. Therefore, it has been classified as a Variant of Uncertain Significance.